The following is an entry in ClinVar:

ClinVar aggregate classification (germline): Likely benign (1 of 4 stars; one submission).

Conditions:
Autosomal recessive polycystic kidney disease (ARPKD). Also called: AR polycystic kidney disease. Identifiers: Orphanet 731, Orphanet 8378, MedGen C0085548, MeSH D017044, MONDO:0009889.

Allele frequency attached by ClinVar (database versions not stated): 1000 Genomes Project 0.01158; 1000 Genomes Project 30x 0.01265; TOPMed 0.01482.
gnomAD v4.1: 2,287 of 356,510 alleles (0.64%); highest among the groups gnomAD compares: African/African-American, 4.4%; 51 homozygotes.

Submission:

Illumina Laboratory Services, Illumina
Classification: Likely benign for Polycystic kidney disease 4. Last evaluated: 2018-01-13. Review status: criteria provided, single submitter. Criteria: ICSL Variant Classification Criteria 13 December 2019. Collection method: clinical testing. Allele origin: germline.
Comment: This variant was observed in the ICSL laboratory as part of a predisposition screen in an ostensibly healthy population. It had not been previously curated by ICSL or reported in the Human Gene Mutation Database (HGMD: prior to June 1st, 2018), and was therefore a candidate for classification through an automated scoring system. Utilizing variant allele frequency, disease prevalence and penetrance estimates, and inheritance mode, an automated score was calculated to assess if this variant is too frequent to cause the disease. Based on the score and internal cut-off values, a variant classified as likely benign is not then subjected to further curation. The score for this variant resulted in a classification of likely benign for this disease.

NM_138694.4(PKHD1):c.*2666G>A

Gene: PKHD1 (PKHD1 ciliary IPT domain containing fibrocystin/polyductin; minus strand). Cytogenetic location: 6p12.3.
Variant type: single nucleotide variant.
Coding change: c.*2666G>A on transcript NM_138694.4 (MANE Select); 2666 bases downstream of the stop codon, G replaced by A.
Molecular consequence: 3 prime UTR variant.
Genome position (GRCh38, 1-based): chr6:51,616,415, C>T on the plus strand (G>A on the coding strand, the complement: PKHD1 is on the minus strand). VCF-style: chr6-51616415-C-T. GRCh37 (hg19) VCF-style: chr6-51481213-C-T.
Identifiers: ClinVar variation 909760 (VCV000909760.4), dbSNP rs77036429, ClinGen allele CA138871089.